The following is an entry in ClinVar:

GRCh38/hg38 11q22.1(chr11:97849768-98439058)x1

Genes: LINC02713 (long intergenic non-protein coding RNA 2713; minus strand), LOC126861309 (P300/CBP strongly-dependent group 1 enhancer GRCh37_chr11:97836500-97837699; plus strand). Cytogenetic location: 11q22.1.
Variant type: copy number loss.
Change: copy number 1 (one copy instead of two) of chr11:97,849,768-98,439,058 (589.3 kb, GRCh38 coordinates, 1-based), cytogenetic band 11q22.1.
Identifiers: ClinVar variation 146457 (VCV000146457.3).

ClinVar aggregate classification (germline): Conflicting classifications of pathogenicity. Review status: no assertion criteria provided (0 of 4 stars). 3 submissions from 3 submitters: Benign (2); conflicting data from submitters (1). Last evaluated 2013-02-04.

Submissions (3):

ISCA site 2
Classification: Benign. Last evaluated: 2013-02-04. Review status: no assertion criteria provided. Collection method: clinical testing. Allele origin: unknown. Affected: yes. Observed: 1 variant allele.

ISCA site 1
Classification: conflicting data from submitters. Last evaluated: 2011-08-05. Review status: no assertion criteria provided. Collection method: clinical testing. Allele origin: unknown, paternal. Affected: yes. Observed: 3 variant alleles. Clinical features observed: Hearing impairment (HP:0000365), Global developmental delay (HP:0001263), Flexion contracture (HP:0001371), Failure to thrive (HP:0001508).
Comment: Uncertain significance(2), Likely benign (1)

Copy number variation identified through the course of routine clinical cytogenomic testing in postnatal populations, with clinical assertions as classified by the original submitter. For data from the original published study, Kaminsky, et al. 2011 (PubMed 21844811), please see nstd101.

ISCA site 8
Classification: Benign. Last evaluated: 2010-10-19. Review status: no assertion criteria provided. Collection method: clinical testing. Allele origin: unknown. Affected: yes. Observed: 1 variant allele.